The following is an entry in ClinVar:

NM_030665.4(RAI1):c.4259C>T (p.Ser1420Phe)

Gene: RAI1 (retinoic acid induced 1; plus strand). Cytogenetic location: 17p11.2.
Variant type: single nucleotide variant.
Coding change: c.4259C>T on transcript NM_030665.4 (MANE Select); coding-DNA position 4259, C replaced by T.
Protein change: p.Ser1420Phe; replaces serine 1420 with phenylalanine.
Molecular consequence: missense variant.
Genome position (GRCh38, 1-based): chr17:17,797,207, C>T. VCF-style: chr17-17797207-C-T. GRCh37 (hg19) VCF-style: chr17-17700521-C-T.
Other names: short protein forms S1420F.
Identifiers: ClinVar variation 4773938 (VCV004773938.1).

ClinVar aggregate classification (germline): Uncertain significance (1 of 4 stars; one submission).

gnomAD v4.1: 1 of 1,613,802 alleles (0.000062%); highest among the groups gnomAD compares: Middle Eastern, 0.016%; no homozygotes.

Submission:

Labcorp Genetics (formerly Invitae), Labcorp
Classification: Uncertain significance. Last evaluated: 2025-06-29. Review status: criteria provided, single submitter. Criteria: Invitae Variant Classification Sherloc (09022015). Collection method: clinical testing. Allele origin: germline.
Comment: This sequence change replaces serine, which is neutral and polar, with phenylalanine, which is neutral and non-polar, at codon 1420 of the RAI1 protein (p.Ser1420Phe). This variant is not present in population databases (gnomAD no frequency). This variant has not been reported in the literature in individuals affected with RAI1-related conditions. Invitae Evidence Modeling of protein sequence and biophysical properties (such as structural, functional, and spatial information, amino acid conservation, physicochemical variation, residue mobility, and thermodynamic stability) has been performed for this missense variant. However, the output from this modeling did not meet the statistical confidence thresholds required to predict the impact of this variant on RAI1 protein function. In summary, the available evidence is currently insufficient to determine the role of this variant in disease. Therefore, it has been classified as a Variant of Uncertain Significance.